The following is an entry in ClinVar:

NM_004444.5(EPHB4):c.1788T>A (p.Tyr596Ter)

Gene: EPHB4 (EPH receptor B4; minus strand). Cytogenetic location: 7q22.1.
Variant type: single nucleotide variant.
Coding change: c.1788T>A on transcript NM_004444.5 (MANE Select); coding-DNA position 1788, T replaced by A.
Protein change: p.Tyr596Ter; replaces tyrosine 596 with a stop codon.
Molecular consequence: nonsense.
Genome position (GRCh38, 1-based): chr7:100,813,177, A>T on the plus strand (T>A on the coding strand, the complement: EPHB4 is on the minus strand). VCF-style: chr7-100813177-A-T. GRCh37 (hg19) VCF-style: chr7-100410799-A-T.
Other names: short protein forms Y596*.
Identifiers: ClinVar variation 1806103 (VCV001806103.1), dbSNP rs749503755, ClinGen allele CA368570686.

ClinVar aggregate classification (germline): Pathogenic (1 of 4 stars; one submission).

Conditions:
Capillary malformation-arteriovenous malformation 2 (CMAVM2). Identifiers: Orphanet 693912, MedGen C4748670, MONDO:0020785, OMIM 618196.

Submission:

Victorian Clinical Genetics Services, Murdoch Childrens Research Institute
Classification: Pathogenic for Capillary malformation-arteriovenous malformation 2. Last evaluated: 2020-10-19. Review status: criteria provided, single submitter. Criteria: ACMG Guidelines, 2015. Collection method: clinical testing. Allele origin: germline. Inheritance: Autosomal dominant inheritance. Affected: yes.
Comment: Based on the classification scheme VCGS_Germline_v1.3.3, this variant is classified as Pathogenic. Following criteria are met: 0102 - Loss of function is a known mechanism of disease in this gene and is associated with capillary malformation-arteriovenous malformation 2 (MIM#618196). (I) 0107 - This gene is associated with autosomal dominant disease. (I) 0115 - Variants in this gene are known to have variable expressivity (PMIDs: 29905864, 27400125, 30578106). (I) 0201 - Variant is predicted to cause nonsense-mediated decay (NMD) and loss of protein (premature termination codon is located at least 54 nucleotides upstream of the final exon-exon junction). (SP) 0251 - This variant is heterozygous. (I) 0301 - Variant is absent from gnomAD (both v2 and v3). (SP) 0701 - Other NMD-predicted variants comparable to the one identified in this case have very strong previous evidence for pathogenicity. Many other loss of function variants have previously been reported as pathogenic in individuals with capillary malformation-arteriovenous malformation 2 (MIM#618196) (ClinVar, PMID: 30819650). (SP) 0803 - This variant has limited previous evidence of pathogenicity in an unrelated individual. The variant has previously been reported in two affected individuals from one family with capillary malformation-arteriovenous malformation 2 (MIM#618196). (SP) 1007 - No published functional evidence has been identified for this variant. (I) 1208 - Inheritance information for this variant is not currently available in this individual. (I) Legend: (SP) - Supporting pathogenic, (I) - Information, (SB) - Supporting benign

Literature cited by the submitters: PubMed 27400125; PubMed 28687708; PubMed 29905864; PubMed 30578106; PubMed 30819650.